The following is an entry in ClinVar:

ClinVar aggregate classification (germline): Uncertain significance (1 of 4 stars; one submission).

Allele frequency attached by ClinVar (database versions not stated): ExAC 0.00001.
gnomAD v4.1: 2 of 1,614,092 alleles (0.00012%); highest among the groups gnomAD compares: South Asian, 0.0022%; no homozygotes.

Submission:

Ambry Genetics
Classification: Uncertain significance. Last evaluated: 2023-12-14. Review status: criteria provided, single submitter. Criteria: Ambry Variant Classification Scheme 2023. Collection method: clinical testing. Allele origin: germline.
Comment: The p.F956L variant (also known as c.2866T>C), located in coding exon 4 of the ALPK2 gene, results from a T to C substitution at nucleotide position 2866. The phenylalanine at codon 956 is replaced by leucine, an amino acid with highly similar properties. This amino acid position is conserved. In addition, this alteration is predicted to be tolerated by in silico analysis. Since supporting evidence is limited at this time, the clinical significance of this alteration remains unclear.

NM_052947.4(ALPK2):c.2866T>C (p.Phe956Leu)

Gene: ALPK2 (alpha kinase 2; minus strand). Cytogenetic location: 18q21.31.
Variant type: single nucleotide variant.
Coding change: c.2866T>C on transcript NM_052947.4 (MANE Select); coding-DNA position 2866, T replaced by C.
Protein change: p.Phe956Leu; replaces phenylalanine 956 with leucine.
Molecular consequence: missense variant.
Genome position (GRCh38, 1-based): chr18:58,537,321, A>G on the plus strand (T>C on the coding strand, the complement: ALPK2 is on the minus strand). VCF-style: chr18-58537321-A-G. GRCh37 (hg19) VCF-style: chr18-56204553-A-G.
Other names: short protein forms F956L.
Identifiers: ClinVar variation 3228657 (VCV003228657.1), dbSNP rs762832281, ClinGen allele CA8977002.